The following is an entry in ClinVar:

NM_006767.4(LZTR1):c.65C>T (p.Ser22Phe)

Genes: LZTR1 (leucine zipper like post translational regulator 1; plus strand), LOC130067016 (ATAC-STARR-seq lymphoblastoid silent region 13504; plus strand). Cytogenetic location: 22q11.21.
Variant type: single nucleotide variant.
Coding change: c.65C>T on transcript NM_006767.4 (MANE Select); coding-DNA position 65, C replaced by T.
Protein change: p.Ser22Phe; replaces serine 22 with phenylalanine.
Molecular consequence: missense variant.
Genome position (GRCh38, 1-based): chr22:20,982,436, C>T. VCF-style: chr22-20982436-C-T. GRCh37 (hg19) VCF-style: chr22-21336725-C-T.
Other names: short protein forms S22F.
Identifiers: ClinVar variation 3238319 (VCV003238319.1), dbSNP rs2518607740.

ClinVar aggregate classification (germline): Uncertain significance (1 of 4 stars; one submission).

Conditions:
Hereditary cancer-predisposing syndrome. Also called: Neoplastic Syndromes, Hereditary; Tumor predisposition; Hereditary neoplastic syndrome; Hereditary Cancer Syndrome. Identifiers: Orphanet 140162, MedGen C0027672, MeSH D009386, MONDO:0015356.
Cardiovascular phenotype. Identifiers: MedGen CN230736.

Submission:

Ambry Genetics
Classification: Uncertain significance for Cardiovascular phenotype; Hereditary cancer-predisposing syndrome. Last evaluated: 2023-09-01. Review status: criteria provided, single submitter. Criteria: Ambry Variant Classification Scheme 2023. Collection method: clinical testing. Allele origin: germline.
Comment: The p.S22F variant (also known as c.65C>T), located in coding exon 1 of the LZTR1 gene, results from a C to T substitution at nucleotide position 65. The serine at codon 22 is replaced by phenylalanine, an amino acid with highly dissimilar properties. This amino acid position is conserved. In addition, this alteration is predicted to be tolerated by in silico analysis. Since supporting evidence is limited at this time, the clinical significance of this alteration remains unclear.